The following is an entry in ClinVar:

NC_000011.9:g.(?_108106377)_(108143599_?)dup

Gene: ATM (ATM serine/threonine kinase; plus strand). Cytogenetic location: 11q22.3.
Variant type: Duplication.
Identifiers: ClinVar variation 1489079 (VCV001489079.4).

ClinVar aggregate classification (germline): Likely pathogenic (1 of 4 stars; one submission).

Conditions:
Ataxia-telangiectasia syndrome (AT). Also called: LOUIS-BAR SYNDROME; Ataxia-telangiectasia; Cerebello-oculocutaneous telangiectasia; Immunodeficiency with ataxia telangiectasia; ATAXIA-TELANGIECTASIA, COMPLEMENTATION GROUP A; ATAXIA-TELANGIECTASIA, FRESNO VARIANT. Identifiers: Orphanet 100, MedGen C0004135, MONDO:0008840, OMIM 208900.

Submission:

Labcorp Genetics (formerly Invitae), Labcorp
Classification: Likely pathogenic for Ataxia-telangiectasia syndrome. Last evaluated: 2022-11-15. Review status: criteria provided, single submitter. Criteria: Invitae Variant Classification Sherloc (09022015). Collection method: clinical testing. Allele origin: germline.
Comment: In summary, the currently available evidence indicates that the variant is pathogenic, but additional data are needed to prove that conclusively. Therefore, this variant has been classified as Likely Pathogenic. This variant has not been reported in the literature in individuals affected with ATM-related conditions. This variant results in a copy number gain of the genomic region encompassing exon(s) 5-22 of the ATM gene. While the exact position of this variant cannot be determined from the data, sub-genic copy number gains are generally in tandem (PMID: 25640679). This variant is predicted to be out-of-frame, and may result in an absent or disrupted protein product. Loss-of-function variants in ATM are known to be pathogenic (PMID: 23807571, 25614872).

Literature cited by the submitters: PubMed 25640679; PubMed 23807571; PubMed 25614872.